The following is an entry in ClinVar:

ClinVar aggregate classification (germline): Uncertain significance (1 of 4 stars; one submission).

gnomAD v4.1: 3 of 1,613,104 alleles (0.00019%); highest among the groups gnomAD compares: Non-Finnish European, 0.00017%; no homozygotes.

Submission:

CeGaT Center for Human Genetics Tuebingen
Classification: Uncertain significance. Last evaluated: 2025-01-01. Review status: criteria provided, single submitter. Criteria: CeGaT Center For Human Genetics Tuebingen Variant Classification Criteria Version 2. Collection method: clinical testing. Allele origin: germline. Affected: yes. Observed: 1 variant allele.
Comment: TPM2: PM2:Supporting, BP4

NM_003289.4(TPM2):c.-6G>A

Gene: TPM2 (tropomyosin 2; minus strand). Cytogenetic location: 9p13.3.
Variant type: single nucleotide variant.
Coding change: c.-6G>A on transcript NM_003289.4 (MANE Select); 6 bases upstream of the start codon, G replaced by A.
Molecular consequence: 5 prime UTR variant.
Genome position (GRCh38, 1-based): chr9:35,689,823, C>T on the plus strand (G>A on the coding strand, the complement: TPM2 is on the minus strand). VCF-style: chr9-35689823-C-T. GRCh37 (hg19) VCF-style: chr9-35689820-C-T.
Other names: c.-6G>A (NM_001301226.2, NM_001301227.2, NM_213674.1).
Identifiers: ClinVar variation 3772244 (VCV003772244.13).